The following is an entry in ClinVar:

ClinVar aggregate classification (germline): Pathogenic/Likely pathogenic. Review status: criteria provided, multiple submitters, no conflicts (2 of 4 stars). 4 submissions from 4 submitters: Pathogenic (1); Likely pathogenic (3). Last evaluated 2025-12-16.

Conditions:
Maple syrup urine disease type 1A (MSUD1A). Also called: MSUD type 1A. Identifiers: MedGen C1855369, MONDO:0023691, OMIM 248600.
Maple syrup urine disease type 1B (MSUD1B). Also called: MSUD type IB; MSUD type 3 (formerly); MSUD due to deficiency of e1-beta subunit of branched-chain alpha-keto acid dehydrogenase complex. Identifiers: MedGen C2930990, MONDO:0023692, OMIM 620698.
Maple syrup urine disease (MSUD). Identifiers: Orphanet 511, MedGen C0024776, MeSH D008375, MONDO:0009563. Disease mechanism: loss of function.

Submissions (4):

Labcorp Genetics (formerly Invitae), Labcorp
Classification: Pathogenic for Maple syrup urine disease. Last evaluated: 2025-12-16. Review status: criteria provided, single submitter. Criteria: Invitae Variant Classification Sherloc (09022015). Collection method: clinical testing. Allele origin: germline.
Comment: This sequence change affects the initiator codon of the BCKDHB mRNA. This change may impact translation initiation or efficiency. The next in-frame methionine is located at codon 71. This variant is not present in population databases (gnomAD no frequency). Disruption of the initiator codon has been observed in individual(s) with maple syrup urine disease (PMID: 26257134, 31980395; internal data). ClinVar contains an entry for this variant (Variation ID: 917659). For these reasons, this variant has been classified as Pathogenic.

Natera, Inc.
Classification: Likely pathogenic for Maple syrup urine disease type 1B. Last evaluated: 2025-04-28. Review status: criteria provided, single submitter. Criteria: Natera Variant Classification Schema (03/2026). Collection method: clinical testing. Allele origin: germline.
Comment: The c.1A>G variant in BCKDHB is predicted to result in start loss due to disruption of the initiator methionine. This variant is expected to result in nonsense mediated decay, truncation, or a dysfunctional protein product. This variant is rare in the general population with a frequency below the threshold expected for the associated phenotype(s). Given the available evidence, this variant is classified as Likely Pathogenic.

Women's Health and Genetics/Laboratory Corporation of America, LabCorp
Classification: Likely pathogenic for Maple syrup urine disease. Last evaluated: 2023-07-25. Review status: criteria provided, single submitter. Criteria: LabCorp Variant Classification Summary - May 2015. Collection method: clinical testing. Allele origin: germline.
Comment: Variant summary: BCKDHB c.1A>G (p.Met1?) alters the initiation codon and is predicted to result either in absence of the protein or truncation of the encoded protein due to translation initiation at a downstream codon (p.Met71). The variant was absent in 155290 control chromosomes (gnomAD). The available data on variant occurrences in the general population are insufficient to allow any conclusion about variant significance. To our knowledge, no occurrence of c.1A>G in individuals affected with Maple syrup urine disease and no experimental evidence demonstrating its impact on protein function have been reported. Other variants affecting p.Met1 (c.1A>T, c.3G>A) have been reported (HGMD, ClinVar databases). Three submitters have cited clinical-significance assessments for this variant to ClinVar after 2014. All submitters classified the variant as pathogenic/likely pathogenic. Based on the evidence outlined above, the variant was classified as likely pathogenic.

Revvity Omics, Revvity
Classification: Likely pathogenic for Maple syrup urine disease type 1A. Last evaluated: 2020-03-23. Review status: criteria provided, single submitter. Criteria: ACMG Guidelines, 2015. Collection method: clinical testing. Allele origin: germline.

Literature cited by the submitters: PubMed 26257134 (cited by Labcorp Genetics (formerly Invitae), Labcorp); PubMed 31980395 (cited by Labcorp Genetics (formerly Invitae), Labcorp).

NM_183050.4(BCKDHB):c.1A>G (p.Met1Val)

Gene: BCKDHB (branched chain keto acid dehydrogenase E1 subunit beta; plus strand). Cytogenetic location: 6q14.1.
Variant type: single nucleotide variant.
Coding change: c.1A>G on transcript NM_183050.4 (MANE Select); coding-DNA position 1, A replaced by G.
Protein change: p.Met1Val; changes the start codon (methionine 1).
Molecular consequence: missense variant, initiator codon variant. On other transcripts: non-coding transcript variant (1), intron variant (1).
Genome position (GRCh38, 1-based): chr6:80,106,694, A>G. VCF-style: chr6-80106694-A-G. GRCh37 (hg19) VCF-style: chr6-80816411-A-G.
Other names: c.1A>G, p.Met1Val (NM_000056.5); c.-15+11A>G (NM_001318975.1); short protein forms M1V.
Identifiers: ClinVar variation 917659 (VCV000917659.14), dbSNP rs1005542482, ClinGen allele CA142276823.
Genomic context (GRCh38, chr6:80,106,694, plus strand): 5'-CCGCCCTCCCCGCAGGCGGCGTGCGGCTGCATAGCCTGAGAATCCCGGTGGTGAGCGGGG[A>G]TGGCGGTTGTAGCGGCGGCTGCCGGCTGGCTACTCAGGCTCAGGGCGGCAGGGGCTGAGG-3'
Protein context (NP_898871.1, residues 1-11): [Met1Val]AVVAAAAGWL